The following is an entry in ClinVar:

ClinVar aggregate classification (germline): Uncertain significance (1 of 4 stars; one submission).

Conditions:
Perlman syndrome (PRLMNS). Identifiers: Orphanet 2849, MedGen C0796113, MONDO:0009965, OMIM 267000.

Submission:

Labcorp Genetics (formerly Invitae), Labcorp
Classification: Uncertain significance for Perlman syndrome. Last evaluated: 2022-10-27. Review status: criteria provided, single submitter. Criteria: Invitae Variant Classification Sherloc (09022015). Collection method: clinical testing. Allele origin: germline.
Comment: This sequence change replaces alanine, which is neutral and non-polar, with threonine, which is neutral and polar, at codon 30 of the DIS3L2 protein (p.Ala30Thr). This variant is not present in population databases (gnomAD no frequency). This variant has not been reported in the literature in individuals affected with DIS3L2-related conditions. Algorithms developed to predict the effect of missense changes on protein structure and function (SIFT, PolyPhen-2, Align-GVGD) all suggest that this variant is likely to be tolerated. In summary, the available evidence is currently insufficient to determine the role of this variant in disease. Therefore, it has been classified as a Variant of Uncertain Significance.

NM_152383.5(DIS3L2):c.88G>A (p.Ala30Thr)

Gene: DIS3L2 (DIS3 like 3'-5' exoribonuclease 2; plus strand). Cytogenetic location: 2q37.1.
Variant type: single nucleotide variant.
Coding change: c.88G>A on transcript NM_152383.5 (MANE Select); coding-DNA position 88, G replaced by A.
Protein change: p.Ala30Thr; replaces alanine 30 with threonine.
Molecular consequence: missense variant. On other transcripts: non-coding transcript variant (2).
Genome position (GRCh38, 1-based): chr2:232,015,549, G>A. VCF-style: chr2-232015549-G-A. GRCh37 (hg19) VCF-style: chr2-232880259-G-A.
Other names: c.88G>A, p.Ala30Thr (NM_001257281.2, NM_001257282.2); short protein forms A30T.
Identifiers: ClinVar variation 2883312 (VCV002883312.3), dbSNP rs1165526823, ClinGen allele CA351151875.